The following is an entry in ClinVar:

ClinVar aggregate classification (germline): Uncertain significance. Review status: criteria provided, multiple submitters, no conflicts (2 of 4 stars). 4 submissions from 4 submitters: Uncertain significance (4). Last evaluated 2024-04-16.

Conditions:
Hereditary cancer-predisposing syndrome. Also called: Tumor predisposition; Hereditary neoplastic syndrome; Neoplastic Syndromes, Hereditary; Hereditary Cancer Syndrome. Identifiers: Orphanet 140162, MedGen C0027672, MeSH D009386, MONDO:0015356.
Cardiovascular phenotype. Identifiers: MedGen CN230736.
Neurofibromatosis, type 1 (NF1). Also called: VON RECKLINGHAUSEN DISEASE; NEUROFIBROMATOSIS, TYPE I, SOMATIC; Peripheral type neurofibromatosis; Neurofibromatosis, type I. Identifiers: Orphanet 636, MedGen C0027831, MONDO:0018975, OMIM 162200. Disease mechanism: loss of function.
NF1-related disorder. Also called: NF1-related condition. Identifiers: MedGen CN379171.

Allele frequency attached by ClinVar (database versions not stated): gnomAD exomes below 0.00001.
gnomAD v4.1: 1 of 1,606,460 alleles (0.000062%); highest among the groups gnomAD compares: East Asian, 0.0022%; no homozygotes.

Submissions (4):

GeneDx
Classification: Uncertain significance. Last evaluated: 2024-04-16. Review status: criteria provided, single submitter. Criteria: GeneDx Variant Classification Process June 2021. Collection method: clinical testing. Allele origin: germline. Affected: yes.
Comment: Not observed at significant frequency in large population cohorts (gnomAD); In silico analysis supports that this missense variant has a deleterious effect on protein structure/function; Has not been previously published as pathogenic or benign to our knowledge; This variant is associated with the following publications: (PMID: 25486365)

PreventionGenetics, part of Exact Sciences
Classification: Uncertain significance for NF1-related condition. Last evaluated: 2022-11-30. Review status: criteria provided, single submitter. Criteria: ACMG Guidelines, 2015. Collection method: clinical testing. Allele origin: germline.
Comment: The NF1 c.1700T>C variant is predicted to result in the amino acid substitution p.Val567Ala. To our knowledge, this variant has not been reported in the literature or in a large population database, indicating this variant is rare. At this time, the clinical significance of this variant is uncertain due to the absence of conclusive functional and genetic evidence.

Ambry Genetics
Classification: Uncertain significance for Cardiovascular phenotype; Hereditary cancer-predisposing syndrome. Last evaluated: 2022-08-23. Review status: criteria provided, single submitter. Criteria: Ambry Variant Classification Scheme 2023. Collection method: clinical testing. Allele origin: germline.
Comment: The p.V567A variant (also known as c.1700T>C), located in coding exon 15 of the NF1 gene, results from a T to C substitution at nucleotide position 1700. The valine at codon 567 is replaced by alanine, an amino acid with similar properties. This amino acid position is conserved. In addition, this alteration is predicted to be tolerated by in silico analysis. Since supporting evidence is limited at this time, the clinical significance of this alteration remains unclear.

Labcorp Genetics (formerly Invitae), Labcorp
Classification: Uncertain significance for Neurofibromatosis, type 1. Last evaluated: 2021-07-03. Review status: criteria provided, single submitter. Criteria: Invitae Variant Classification Sherloc (09022015). Collection method: clinical testing. Allele origin: germline.
Comment: This sequence change replaces valine with alanine at codon 567 of the NF1 protein (p.Val567Ala). The valine residue is weakly conserved and there is a small physicochemical difference between valine and alanine. This variant is not present in population databases (ExAC no frequency). This variant has not been reported in the literature in individuals affected with NF1-related conditions. Advanced modeling of protein sequence and biophysical properties (such as structural, functional, and spatial information, amino acid conservation, physicochemical variation, residue mobility, and thermodynamic stability) performed at Invitae indicates that this missense variant is not expected to disrupt NF1 protein function. In summary, the available evidence is currently insufficient to determine the role of this variant in disease. Therefore, it has been classified as a Variant of Uncertain Significance.

NM_001042492.3(NF1):c.1700T>C (p.Val567Ala)

Gene: NF1 (neurofibromin 1; plus strand). Cytogenetic location: 17q11.2.
Variant type: single nucleotide variant.
Coding change: c.1700T>C on transcript NM_001042492.3 (MANE Select); coding-DNA position 1700, T replaced by C.
Protein change: p.Val567Ala; replaces valine 567 with alanine.
Molecular consequence: missense variant.
Genome position (GRCh38, 1-based): chr17:31,221,908, T>C. VCF-style: chr17-31221908-T-C. GRCh37 (hg19) VCF-style: chr17-29548926-T-C.
Other names: c.1700T>C, p.Val567Ala (NM_000267.4, NM_001128147.3); short protein forms V567A.
Identifiers: ClinVar variation 1503341 (VCV001503341.12), dbSNP rs2144004648, ClinGen allele CA399002339.